The following is an entry in ClinVar:

NM_203447.4(DOCK8):c.4724G>A (p.Arg1575Lys)

Gene: DOCK8 (dedicator of cytokinesis 8; plus strand). Cytogenetic location: 9p24.3.
Variant type: single nucleotide variant.
Coding change: c.4724G>A on transcript NM_203447.4 (MANE Select); coding-DNA position 4724, G replaced by A.
Protein change: p.Arg1575Lys; replaces arginine 1575 with lysine.
Molecular consequence: missense variant.
Genome position (GRCh38, 1-based): chr9:432,263, G>A. VCF-style: chr9-432263-G-A. GRCh37 (hg19) VCF-style: chr9-432263-G-A.
Other names: c.4424G>A, p.Arg1475Lys (NM_001190458.2); c.4520G>A, p.Arg1507Lys (NM_001193536.2); short protein forms R1575K, R1475K, R1507K.
Identifiers: ClinVar variation 707921 (VCV000707921.15), dbSNP rs141252560, ClinGen allele CA4959180.

ClinVar aggregate classification (germline): Conflicting classifications of pathogenicity. Review status: criteria provided, conflicting classifications (1 of 4 stars). 4 submissions from 4 submitters: Uncertain significance (3); Likely benign (1). Last evaluated 2026-01-25.

Conditions:
Combined immunodeficiency due to DOCK8 deficiency (HIES2). Also called: HYPER-IgE RECURRENT INFECTION SYNDROME 2, AUTOSOMAL RECESSIVE; HYPER-IgE SYNDROME 2, AUTOSOMAL RECESSIVE, WITH RECURRENT INFECTIONS; DOCK8 Deficiency; HIES autosomal recessive; Hyper-IgE recurrent infection syndrome, autosomal recessive. Identifiers: Orphanet 217390, MedGen C4722305, MONDO:0009478, OMIM 243700.
Inborn genetic diseases. Identifiers: MedGen C0950123, MeSH D030342.

Allele frequency attached by ClinVar (database versions not stated): gnomAD exomes 0.00009 and 0.00031; ExAC 0.00034; 1000 Genomes Project 0.00100; 1000 Genomes Project 30x 0.00109; gnomAD 0.00113 and 0.00121; TOPMed 0.00134; ESP Exome Variant Server 0.00177.
gnomAD v4.1: 314 of 1,613,894 alleles (0.019%); highest among the groups gnomAD compares: African/African-American, 0.35%; no homozygotes.

Submissions (4):

Labcorp Genetics (formerly Invitae), Labcorp
Classification: Likely benign for Combined immunodeficiency due to DOCK8 deficiency. Last evaluated: 2026-01-25. Review status: criteria provided, single submitter. Criteria: Invitae Variant Classification Sherloc (09022015). Collection method: clinical testing. Allele origin: germline.

Ambry Genetics
Classification: Uncertain significance for Inborn genetic diseases. Last evaluated: 2023-11-17. Review status: criteria provided, single submitter. Criteria: Ambry Variant Classification Scheme 2023. Collection method: clinical testing. Allele origin: germline.

GeneDx
Classification: Uncertain significance. Last evaluated: 2022-05-19. Review status: criteria provided, single submitter. Criteria: GeneDx Variant Classification Process June 2021. Collection method: clinical testing. Allele origin: germline. Affected: yes.
Comment: In silico analysis supports that this missense variant does not alter protein structure/function; Has not been previously published as pathogenic or benign to our knowledge

Baylor Genetics
Classification: Uncertain significance for Combined immunodeficiency due to DOCK8 deficiency. Last evaluated: 2018-04-19. Review status: criteria provided, single submitter. Criteria: ACMG Guidelines, 2015. Collection method: clinical testing. Allele origin: maternal. Affected: yes.
Comment: This variant was determined to be of uncertain significance according to ACMG Guidelines, 2015 [PMID:25741868].